The following is an entry in ClinVar:

NM_000038.6(APC):c.2865dup (p.Tyr956fs)

Gene: APC (APC regulator of Wnt signaling pathway; plus strand). Cytogenetic location: 5q22.2.
Variant type: Duplication.
Coding change: c.2865dup on transcript NM_000038.6 (MANE Select); coding-DNA position 2865, one base duplicated (A; older notation c.2865dupA).
Protein change: p.Tyr956fs; shifts the reading frame from tyrosine 956.
Molecular consequence: frameshift variant.
Genome position (GRCh38, 1-based): chr5:112,838,459, A duplicated; the last of 2 consecutive A bases (chr5:112,838,458-112,838,459); duplicating either gives the same sequence. VCF-style (leftmost placement, unchanged base first): chr5-112838457-G-GA. GRCh37 (hg19) VCF-style: chr5-112174154-G-GA.
Other names: c.2865dup, p.Tyr956fs (NM_001127510.3, NM_001354895.2); c.2811dup, p.Tyr938fs (NM_001127511.3); c.2919dup, p.Tyr974fs (NM_001354896.2); c.2895dup, p.Tyr966fs (NM_001354897.2); c.2790dup, p.Tyr931fs (NM_001354898.2); c.2781dup, p.Tyr928fs (NM_001354899.2); c.2742dup, p.Tyr915fs (NM_001354900.2); c.2688dup, p.Tyr897fs (NM_001354901.2); and 16 more; short protein forms Y830fs, Y865fs, Y897fs, Y931fs, Y974fs, Y915fs, Y938fs, Y673fs.
Identifiers: ClinVar variation 1796995 (VCV001796995.2), dbSNP rs2533455449, ClinGen allele CA2580072810.

ClinVar aggregate classification (germline): Pathogenic (1 of 4 stars; one submission).

Conditions:
Hereditary cancer-predisposing syndrome. Also called: Tumor predisposition; Hereditary Cancer Syndrome; Neoplastic Syndromes, Hereditary; Hereditary neoplastic syndrome. Identifiers: Orphanet 140162, MedGen C0027672, MeSH D009386, MONDO:0015356.

Submission:

Ambry Genetics
Classification: Pathogenic for Hereditary cancer-predisposing syndrome. Last evaluated: 2020-09-30. Review status: criteria provided, single submitter. Criteria: Ambry Variant Classification Scheme 2023. Collection method: clinical testing. Allele origin: germline.
Comment: The c.2865dupA variant, located in coding exon 15 of the APC gene, results from a duplication of A at nucleotide position 2865, causing a translational frameshift with a predicted alternate stop codon (p.Y956Ifs*7).This alteration occurs at the 3' terminus of theAPC gene, is not expected to trigger nonsense-mediated mRNA decay, and impacts the last 1881amino acids of the protein. However, premature stop codons are typically deleterious in nature and a significant portion of the protein is affected, impacting a critical region for protein function (Ambry internal data). As such, this alteration is interpreted as a disease-causing mutation.